The following is an entry in ClinVar:

NM_001374736.1(DST):c.14399C>A (p.Thr4800Asn)

Gene: DST (dystonin; minus strand). Cytogenetic location: 6p12.1.
Variant type: single nucleotide variant.
Coding change: c.14399C>A on transcript NM_001374736.1 (MANE Select); coding-DNA position 14399, C replaced by A.
Protein change: p.Thr4800Asn; replaces threonine 4800 with asparagine.
Molecular consequence: missense variant.
Genome position (GRCh38, 1-based): chr6:56,560,335, G>T on the plus strand (C>A on the coding strand, the complement: DST is on the minus strand). VCF-style: chr6-56560335-G-T. GRCh37 (hg19) VCF-style: chr6-56425133-G-T.
Other names: c.8042C>A, p.Thr2681Asn (NM_001144769.5); c.7628C>A, p.Thr2543Asn (NM_001144770.2); c.14399C>A, p.Thr4800Asn (NM_001374722.1); c.13766C>A, p.Thr4589Asn (NM_001374729.1); c.7508C>A, p.Thr2503Asn (NM_001374730.1, NM_001386100.1, NM_183380.4); c.14426C>A, p.Thr4809Asn (NM_001374734.1); c.6530C>A, p.Thr2177Asn (NM_015548.5); short protein forms T2543N, T4800N, T4589N, T2503N, T2681N, T2177N, T4809N.
Identifiers: ClinVar variation 1405114 (VCV001405114.7), dbSNP rs921342916, ClinGen allele CA139209338.
Genomic context (GRCh38, chr6:56,560,335, plus strand): 5'-TCTAAGTAACGCAACATACCTATTTCTGTCAACATCTGTTTCCATCTGGGGGCCTCAGGA[G>T]TATCTGGGTTCTCCTCCAACAGCTCTGTCAATTTGTCTTTCAACTCCTGTACTTTGTTTA-3'
Protein context (NP_001361665.1, residues 4790-4810): LTELLEENPD[Thr4800Asn]PEAPRWKQML

ClinVar aggregate classification (germline): Uncertain significance. Review status: criteria provided, multiple submitters, no conflicts (2 of 4 stars). 3 submissions from 3 submitters: Uncertain significance (3). Last evaluated 2024-03-12.

Conditions:
Epidermolysis bullosa simplex 3, localized or generalized intermediate, with BP230 deficiency (EBS3). Also called: Epidermolysis bullosa simplex, autosomal recessive 2; Epidermolysis bullosa simplex due to BP230 deficiency. Identifiers: Orphanet 412181, MedGen C3809470, MONDO:0014180, OMIM 615425.
Hereditary sensory and autonomic neuropathy type 6. Also called: HSAN VI; Neuropathy, hereditary sensory and autonomic, type VI. Identifiers: Orphanet 314381, MedGen C3539003, MONDO:0013839, OMIM 614653.
Inborn genetic diseases. Identifiers: MedGen C0950123, MeSH D030342.

Allele frequency attached by ClinVar (database versions not stated): gnomAD 0.00001 and 0.00002; gnomAD exomes 0.00002 and 0.00003; TOPMed 0.00003.
gnomAD v4.1: 25 of 1,611,080 alleles (0.0016%); highest among the groups gnomAD compares: Middle Eastern, 0.016%; no homozygotes.

Submissions (3):

Labcorp Genetics (formerly Invitae), Labcorp
Classification: Uncertain significance for Epidermolysis bullosa simplex 3, localized or generalized intermediate, with BP230 deficiency; Hereditary sensory and autonomic neuropathy type 6. Last evaluated: 2024-03-12. Review status: criteria provided, single submitter. Criteria: Invitae Variant Classification Sherloc (09022015). Collection method: clinical testing. Allele origin: germline.
Comment: The DST gene has multiple clinically relevant transcripts. This variant occurs in alternate transcript NM_015548.4, and corresponds to NM_001723.5:c.*55182C>A in the primary transcript. This sequence change replaces threonine, which is neutral and polar, with asparagine, which is neutral and polar, at codon 2177 of the DST protein (p.Thr2177Asn). This variant is present in population databases (no rsID available, gnomAD 0.01%). This variant has not been reported in the literature in individuals affected with DST-related conditions. Experimental studies and prediction algorithms are not available or were not evaluated, and the functional significance of this variant is currently unknown. In summary, the available evidence is currently insufficient to determine the role of this variant in disease. Therefore, it has been classified as a Variant of Uncertain Significance.

Ambry Genetics
Classification: Uncertain significance for Inborn genetic diseases. Last evaluated: 2021-12-29. Review status: criteria provided, single submitter. Criteria: Ambry Variant Classification Scheme 2023. Collection method: clinical testing. Allele origin: germline.
Comment: The p.T2681N variant (also known as c.8042C>A), located in coding exon 52 of the DST gene, results from a C to A substitution at nucleotide position 8042. The threonine at codon 2681 is replaced by asparagine, an amino acid with similar properties. This amino acid position is poorly conserved in available vertebrate species. In addition, this alteration is predicted to be tolerated by in silico analysis. Since supporting evidence is limited at this time, the clinical significance of this alteration remains unclear.

Breakthrough Genomics
Classification: Uncertain significance. Review status: criteria provided, single submitter. Criteria: ACMG Guidelines, 2015. Collection method: not provided. Allele origin: germline. Inheritance: Autosomal recessive inheritance. Affected: yes.